The following is an entry in ClinVar:

NM_007194.4(CHEK2):c.444+19T>C

Gene: CHEK2 (checkpoint kinase 2; minus strand). Cytogenetic location: 22q12.1.
Variant type: single nucleotide variant.
Coding change: c.444+19T>C on transcript NM_007194.4 (MANE Select); 19 bases into the intron after coding-DNA position 444, T replaced by C.
Molecular consequence: intron variant.
Genome position (GRCh38, 1-based): chr22:28,725,224, A>G on the plus strand (T>C on the coding strand, the complement: CHEK2 is on the minus strand). VCF-style: chr22-28725224-A-G. GRCh37 (hg19) VCF-style: chr22-29121212-A-G.
Other names: c.-220+19T>C (NM_001437942.1); c.444+19T>C (NM_001349956.3, NM_145862.3); c.-334+19T>C (NM_001257387.3); c.537+19T>C (NM_001438295.1, NM_001438293.1); c.573+19T>C (NM_001438294.1, NM_001005735.3).
Identifiers: ClinVar variation 136740 (VCV000136740.23), dbSNP rs200501745, ClinGen allele CA294483.
Genomic context (GRCh38, chr22:28,725,224, plus strand): 5'-GAGATTTATAGTGGGAAAATATCTAAAAACAATGACCAAATTACCAGCTCTCCTAGATAC[A>G]TGGGTATTCATTACCTACCCTGAAAATCCGAAAGTGTTTCTTGCTGTATGTTCGGTATTT-3'

ClinVar aggregate classification (germline): Benign/Likely benign. Review status: criteria provided, multiple submitters, no conflicts (2 of 4 stars). 11 submissions from 11 submitters: Benign (3); Likely benign (5). 3 of the submissions do not count toward it. Last evaluated 2026-02-03.

Conditions:
Breast and/or ovarian cancer. Identifiers: MedGen CN221562.
Hereditary cancer-predisposing syndrome. Also called: Tumor predisposition; Hereditary neoplastic syndrome; Neoplastic Syndromes, Hereditary; Hereditary Cancer Syndrome. Identifiers: Orphanet 140162, MedGen C0027672, MeSH D009386, MONDO:0015356.
Familial cancer of breast. Also called: Hereditary breast cancer; BREAST CANCER, FAMILIAL; hereditary breast carcinoma. Identifiers: Orphanet 227535, MedGen C0346153, MONDO:0016419, OMIM 114480. Disease mechanism: loss of function.

Allele frequency attached by ClinVar (database versions not stated): ESP Exome Variant Server 0.00015; gnomAD exomes 0.00023 and 0.00047; gnomAD 0.00024 and 0.00026; TOPMed 0.00028; ExAC 0.00029.
gnomAD v4.1: 401 of 1,613,844 alleles (0.025%); highest among the groups gnomAD compares: Non-Finnish European, 0.0042%; 3 homozygotes.

Submissions (11):

Labcorp Genetics (formerly Invitae), Labcorp
Classification: Benign for Familial cancer of breast. Last evaluated: 2026-02-03. Review status: criteria provided, single submitter. Criteria: Invitae Variant Classification Sherloc (09022015). Collection method: clinical testing. Allele origin: germline.

Center for Genomic Medicine, Rigshospitalet, Copenhagen University Hospital
Classification: Likely benign. Last evaluated: 2025-03-04. Review status: criteria provided, single submitter. Criteria: ACMG Guidelines, 2015. Collection method: clinical testing. Allele origin: germline.

Blueprint Genetics
Classification: Likely benign. Last evaluated: 2024-11-19. Review status: criteria provided, single submitter. Criteria: ACMG Guidelines, 2015. Collection method: clinical testing. Allele origin: germline.

CHEO Genetics Diagnostic Laboratory, Children's Hospital of Eastern Ontario
Classification: Benign for Breast and/or ovarian cancer. Last evaluated: 2022-08-24. Review status: criteria provided, single submitter. Criteria: ACMG Guidelines, 2015. Collection method: clinical testing. Allele origin: germline.

Color Diagnostics, LLC DBA Color Health
Classification: Likely benign for Hereditary cancer-predisposing syndrome. Last evaluated: 2015-04-27. Review status: criteria provided, single submitter. Criteria: ACMG Guidelines, 2015. Collection method: clinical testing. Allele origin: germline.

Ambry Genetics
Classification: Likely benign for Hereditary cancer-predisposing syndrome. Last evaluated: 2015-03-04. Review status: criteria provided, single submitter. Criteria: Ambry Variant Classification Scheme 2023. Collection method: clinical testing. Allele origin: germline.

GeneDx
Classification: Benign. Last evaluated: 2014-01-06. Review status: criteria provided, single submitter. Criteria: GeneDx Variant Classification (06012015). Collection method: clinical testing. Allele origin: germline. Affected: yes.
Comment: This variant is considered likely benign or benign based on one or more of the following criteria: it is a conservative change, it occurs at a poorly conserved position in the protein, it is predicted to be benign by multiple in silico algorithms, and/or has population frequency not consistent with disease.

PreventionGenetics, part of Exact Sciences
Classification: Likely benign. Review status: criteria provided, single submitter. Criteria: ACMG Guidelines, 2015. Collection method: clinical testing. Allele origin: germline.

Counsyl
Classification: Likely benign for Familial cancer of breast. Last evaluated: 2016-07-11. Review status: no assertion criteria provided. Collection method: clinical testing. Allele origin: unknown. Not counted in ClinVar's aggregate classification.

Clinical Genetics Laboratory, Department of Pathology, Netherlands Cancer Institute
Classification: Likely benign. Review status: no assertion criteria provided. Collection method: clinical testing. Allele origin: germline. Affected: yes. Study: VKGL Data-share Consensus. Not counted in ClinVar's aggregate classification.

Genome Diagnostics Laboratory, Amsterdam University Medical Center
Classification: Likely benign. Review status: no assertion criteria provided. Collection method: clinical testing. Allele origin: germline. Affected: yes. Study: VKGL Data-share Consensus. Not counted in ClinVar's aggregate classification.